The following is an entry in ClinVar:

ClinVar aggregate classification (germline): Pathogenic (1 of 4 stars; one submission).

Conditions:
Tuberous sclerosis 2 (TSC2). Identifiers: Orphanet 805, MedGen C1860707, MONDO:0013199, OMIM 613254.

Submission:

Labcorp Genetics (formerly Invitae), Labcorp
Classification: Pathogenic for Tuberous sclerosis 2. Last evaluated: 2020-09-11. Review status: criteria provided, single submitter. Criteria: Invitae Variant Classification Sherloc (09022015). Collection method: clinical testing. Allele origin: unknown.
Comment: This variant results in the deletion of part of exon 38 (c.4974_4989+177del) of the TSC2 gene. It is expected to disrupt RNA splicing and likely results in an absent or disrupted protein product. This variant has been observed in individual(s) with clinical features of tuberous sclerosis complex (Invitae). In at least one individual the variant was observed to be de novo. Loss-of-function variants in TSC2 are known to be pathogenic (PMID: 10205261, 17304050). For these reasons, this variant has been classified as Pathogenic.

Literature cited by the submitters: PubMed 10205261; PubMed 17304050.

NC_000016.9:g.(?_2136857)_(2137049_?)del

Gene: TSC2 (TSC complex subunit 2; plus strand). Cytogenetic location: 16p13.3.
Variant type: Deletion.
Identifiers: ClinVar variation 3243474 (VCV003243474.1).